The following is an entry in ClinVar:

NC_000009.12:g.35657789C>T

Gene: RMRP (RNA component of mitochondrial RNA processing endoribonuclease; minus strand). Cytogenetic location: 9p13.3.
Variant type: single nucleotide variant.
Genome position: GRCh38 VCF-style: chr9-35657789-C-T. GRCh37 (hg19) VCF-style: chr9-35657786-C-T.
Identifiers: ClinVar variation 2197600 (VCV002197600.1), dbSNP rs1263924354, ClinGen allele CA464450392.
Genomic context (GRCh38, chr9:35,657,789, plus strand): 5'-GCCGTGGTCTCGGGAACAAAAAACAGCCGCGCTGAGAATGAGCCCCGTGTGGTTGGTGCG[C>T]GGACACGCACTGCCTGCGTAACTAGAGGGAGCTGACGGATGACGCCCCCGCGCCACGCCG-3'

ClinVar aggregate classification (germline): Uncertain significance (1 of 4 stars; one submission).

Conditions:
Anauxetic dysplasia. Identifiers: Orphanet 93347, MedGen C1846796, MONDO:0011773.

Allele frequency attached by ClinVar (database versions not stated): gnomAD 0.00001.
gnomAD v4.1: 4 of 697,742 alleles (0.00057%); highest among the groups gnomAD compares: East Asian, 0.0027%; no homozygotes.

Submission:

Labcorp Genetics (formerly Invitae), Labcorp
Classification: Uncertain significance for Anauxetic dysplasia. Last evaluated: 2022-01-18. Review status: criteria provided, single submitter. Criteria: Invitae Variant Classification Sherloc (09022015). Collection method: clinical testing. Allele origin: germline.
Comment: This variant occurs in the RMRP gene, which encodes an RNA molecule that does not result in a protein product. This variant is not present in population databases (gnomAD no frequency). This variant has not been reported in the literature in individuals affected with RMRP-related conditions. Experimental studies and prediction algorithms are not available or were not evaluated, and the functional significance of this variant is currently unknown. In summary, the available evidence is currently insufficient to determine the role of this variant in disease. Therefore, it has been classified as a Variant of Uncertain Significance.